The following is an entry in ClinVar:

NM_022356.4(P3H1):c.1511C>T (p.Thr504Ile)

Gene: P3H1 (prolyl 3-hydroxylase 1; minus strand). Cytogenetic location: 1p34.2.
Variant type: single nucleotide variant.
Coding change: c.1511C>T on transcript NM_022356.4 (MANE Select); coding-DNA position 1511, C replaced by T.
Protein change: p.Thr504Ile; replaces threonine 504 with isoleucine.
Molecular consequence: missense variant.
Genome position (GRCh38, 1-based): chr1:42,752,332, G>A on the plus strand (C>T on the coding strand, the complement: P3H1 is on the minus strand). VCF-style: chr1-42752332-G-A. GRCh37 (hg19) VCF-style: chr1-43218003-G-A.
Other names: c.1511C>T, p.Thr504Ile (NM_001146289.2, NM_001243246.2); short protein forms T504I.
Identifiers: ClinVar variation 1417963 (VCV001417963.7), dbSNP rs2124108863, ClinGen allele CA339955655.
Genomic context (GRCh38, chr1:42,752,332, plus strand): 5'-ACCTTGAGGGCTTTGAAGACAGTGACACCATAGAACTTTTCATTGGGAGTATGTGGGGAG[G>A]TCTGACCCCGGTAGCCATCTCCTGAGGTTGCTGCCACCTACAAGGCCCAAAACACAAGGT-3'
Protein context (NP_071751.3, residues 494-514): ATSGDGYRGQ[Thr504Ile]SPHTPNEKFY

ClinVar aggregate classification (germline): Uncertain significance. Review status: criteria provided, multiple submitters, no conflicts (2 of 4 stars). 2 submissions from 2 submitters: Uncertain significance (2). Last evaluated 2024-11-14.

Conditions:
Osteogenesis imperfecta type 8 (OI8). Identifiers: MedGen C1970458, MONDO:0012581, OMIM 610915.

Allele frequency attached by ClinVar (database versions not stated): gnomAD exomes below 0.00001.
gnomAD v4.1: 4 of 1,614,144 alleles (0.00025%); highest among the groups gnomAD compares: Non-Finnish European, 0.00034%; no homozygotes.

Submissions (2):

Dasa
Classification: Uncertain significance. Last evaluated: 2024-11-14. Review status: criteria provided, single submitter. Criteria: DASA Assertion Criteria. Collection method: clinical testing. Allele origin: germline.
Comment: NM_022356.4(P3H1):c.1511C>T (p.Thr504Ile) is a missense variant that results in the substitution of threonine with isoleucine. This variant is rare in population databases. Computational prediction algorithms are consistent with a benign effect. The currently available literature and clinical evidence are not sufficient to establish a definitive association between this variant and the reported condition. Therefore, this variant is classified as a variant of uncertain significance.

Labcorp Genetics (formerly Invitae), Labcorp
Classification: Uncertain significance for Osteogenesis imperfecta type 8. Last evaluated: 2024-07-09. Review status: criteria provided, single submitter. Criteria: Invitae Variant Classification Sherloc (09022015). Collection method: clinical testing. Allele origin: germline.
Comment: This sequence change replaces threonine, which is neutral and polar, with isoleucine, which is neutral and non-polar, at codon 504 of the P3H1 protein (p.Thr504Ile). This variant is not present in population databases (gnomAD no frequency). This variant has not been reported in the literature in individuals affected with P3H1-related conditions. ClinVar contains an entry for this variant (Variation ID: 1417963). Advanced modeling of protein sequence and biophysical properties (such as structural, functional, and spatial information, amino acid conservation, physicochemical variation, residue mobility, and thermodynamic stability) performed at Invitae indicates that this missense variant is not expected to disrupt P3H1 protein function with a negative predictive value of 80%. In summary, the available evidence is currently insufficient to determine the role of this variant in disease. Therefore, it has been classified as a Variant of Uncertain Significance.